The following is an entry in ClinVar:

NM_001291303.3(FAT4):c.10571G>A (p.Arg3524Gln)

Gene: FAT4 (FAT atypical cadherin 4; plus strand). Cytogenetic location: 4q28.1.
Variant type: single nucleotide variant.
Coding change: c.10571G>A on transcript NM_001291303.3 (MANE Select); coding-DNA position 10571, G replaced by A.
Protein change: p.Arg3524Gln; replaces arginine 3524 with glutamine.
Molecular consequence: missense variant.
Genome position (GRCh38, 1-based): chr4:125,451,581, G>A. VCF-style: chr4-125451581-G-A. GRCh37 (hg19) VCF-style: chr4-126372736-G-A.
Other names: c.10565G>A (NM_024582.5, NM_024582.4); c.10571G>A, p.Arg3524Gln (NM_001291285.3); c.10565G>A, p.Arg3522Gln (NM_024582.6); short protein forms R3524Q, R3522Q.
Identifiers: ClinVar variation 1430420 (VCV001430420.6), dbSNP rs200082059, ClinGen allele CA3073704.

ClinVar aggregate classification (germline): Conflicting classifications of pathogenicity. Review status: criteria provided, conflicting classifications (1 of 4 stars). 3 submissions from 3 submitters: Uncertain significance (2); Likely benign (1). Last evaluated 2026-05-14.

Conditions:
FAT4-related disorder. Also called: FAT4-related condition.
Hennekam lymphangiectasia-lymphedema syndrome 2 (HKLLS2). Identifiers: Orphanet 2136, MedGen C4014939, MONDO:0014454, OMIM 616006.
Van Maldergem syndrome 2 (VMLDS2). Identifiers: Orphanet 314679, MedGen C3809875, MONDO:0014242, OMIM 615546.

Allele frequency attached by ClinVar (database versions not stated): ExAC 0.00004; gnomAD exomes 0.00004; gnomAD 0.00005 and 0.00006; TOPMed 0.00005.
gnomAD v4.1: 37 of 1,613,950 alleles (0.0023%); highest among the groups gnomAD compares: African/African-American, 0.004%; 1 homozygote.

Submissions (3):

PreventionGenetics, part of Exact Sciences
Classification: Uncertain significance for FAT4-related condition. Last evaluated: 2026-05-14. Review status: criteria provided, single submitter. Criteria: ACMG Guidelines, 2015. Collection method: clinical testing. Allele origin: germline.
Comment: The FAT4 c.10565G>A variant is predicted to result in the amino acid substitution p.Arg3522Gln. To our knowledge, this variant has not been reported in the literature. This variant is reported in 0.0080% of alleles in individuals of African descent in gnomAD. At this time, the clinical significance of this variant is uncertain due to the absence of conclusive functional and genetic evidence.

Fulgent Genetics
Classification: Likely benign for Van Maldergem syndrome 2; Hennekam lymphangiectasia-lymphedema syndrome 2. Last evaluated: 2024-03-11. Review status: criteria provided, single submitter. Criteria: ACMG Guidelines, 2015. Collection method: clinical testing. Allele origin: germline.

Labcorp Genetics (formerly Invitae), Labcorp
Classification: Uncertain significance. Last evaluated: 2023-11-19. Review status: criteria provided, single submitter. Criteria: Invitae Variant Classification Sherloc (09022015). Collection method: clinical testing. Allele origin: germline.
Comment: This sequence change replaces arginine, which is basic and polar, with glutamine, which is neutral and polar, at codon 3522 of the FAT4 protein (p.Arg3522Gln). This variant is present in population databases (rs200082059, gnomAD 0.008%). This variant has not been reported in the literature in individuals affected with FAT4-related conditions. ClinVar contains an entry for this variant (Variation ID: 1430420). Advanced modeling of protein sequence and biophysical properties (such as structural, functional, and spatial information, amino acid conservation, physicochemical variation, residue mobility, and thermodynamic stability) performed at Invitae indicates that this missense variant is not expected to disrupt FAT4 protein function with a negative predictive value of 95%. In summary, the available evidence is currently insufficient to determine the role of this variant in disease. Therefore, it has been classified as a Variant of Uncertain Significance.